The following is an entry in ClinVar:

ClinVar aggregate classification (germline): Pathogenic (3 of 4 stars; one submission).

Conditions:
Glanzmann thrombasthenia. Also called: PLATELET GLYCOPROTEIN IIb-IIIa DEFICIENCY; Thrombasthenia; Glanzmann's thrombasthenia; BLEEDING DISORDER, PLATELET-TYPE, 2; THROMBASTHENIA OF GLANZMANN AND NAEGELI. Identifiers: Orphanet 849, MedGen C0040015, MONDO:0100326.

Submission:

ClinGen Platelet Disorders Variant Curation Expert Panel, ClinGen
Classification: Pathogenic for Glanzmann thrombasthenia. Last evaluated: 2024-03-07. Review status: reviewed by expert panel. Criteria: ClinGen Platelet ACMG Specifications v2-1. Collection method: curation. Allele origin: germline. Inheritance: Autosomal recessive inheritance.
Comment: The c.605T>G variant in ITGA2B is a missense variant predicted to cause substitution of phenylalanine by cystine at amino acid 202. At least one patient (Proband in PMID:15219201) with this variant displayed mucocutaneous bleeding and impaired aggregation with all agonists except ristocetin, which is highly specific for Glanzmann thrombasthenia (PP4_moderate). The variant has been reported to segregate with Glanzmann thrombasthenia in the proband (confirmed by bleeding phenotype and platelet aggregometry) plus two affected family members, all with the homozygous genotype with the c.605T>G variant. (PP1_moderate; PMID:15219201). This variant is absent from gnomAD v2.1.1 (PM2_Supporting). Surface expression of αIIbβ3 measured by flow cytometry in CHO cells transiently co-transfected with p.Phe202Cys αIIb and wild type β3 showed absent expression (<5%) WT levels, indicating that this variant impacts protein function (PMID:15219201)(PS3). The computational predictor REVEL gives a score of 0.781, which is above the ClinGen PD VCEP threshold of >0.7 and predicts a damaging effect on function (PP3). In summary, this variant meets the criteria to be classified as Pathogenic for autosomal recessive Glanzmann Thrombasthenia based on the ACMG/AMP criteria applied, as specified by the ClinGen PD VCEP: PS3, PP1_moderate, PP4_moderate, PP3, PM2_supporting. (VCEP specifications version 2; date of approval 03/07/2024)

Literature cited by the submitters: PubMed 15219201.

NM_000419.5(ITGA2B):c.605T>G (p.Phe202Cys)

Gene: ITGA2B (integrin subunit alpha 2b; minus strand). Cytogenetic location: 17q21.31.
Variant type: single nucleotide variant.
Coding change: c.605T>G on transcript NM_000419.5 (MANE Select); coding-DNA position 605, T replaced by G.
Protein change: p.Phe202Cys; replaces phenylalanine 202 with cysteine.
Molecular consequence: missense variant.
Genome position (GRCh38, 1-based): chr17:44,385,305, A>C on the plus strand (T>G on the coding strand, the complement: ITGA2B is on the minus strand). VCF-style: chr17-44385305-A-C. GRCh37 (hg19) VCF-style: chr17-42462673-A-C.
Other names: NM_000419.5:c.605T>G; short protein forms F202C.
Identifiers: ClinVar variation 3242393 (VCV003242393.1), dbSNP rs2510084207.
Genomic context (GRCh38, chr17:44,385,305, plus strand): 5'-GTTTGGGAGCCGCCCCCACTGCGCTTTTGCTCCCTACTCGCCTGAGTGACCACGGAGCTG[A>C]AGCCCGCTTCACAGTAACGCTTGTCCCAGCCTGCAGGAGACAAGGAGGAGGGGTCAGCGC-3'
Protein context (NP_000410.2, residues 192-212): SWDKRYCEAG[Phe202Cys]SSVVTQAGEL